The following is an entry in ClinVar:

ClinVar aggregate classification (germline): Likely benign (1 of 4 stars; one submission).

Submission:

Center for Genomic Medicine, Rigshospitalet, Copenhagen University Hospital
Classification: Likely benign. Last evaluated: 2025-12-29. Review status: criteria provided, single submitter. Criteria: ACMG Guidelines, 2015. Collection method: clinical testing. Allele origin: germline.
Comment: Classification criteria: BS3, BP4

NM_000059.4(BRCA2):c.8137A>G (p.Thr2713Ala)

Gene: BRCA2 (BRCA2 DNA repair associated; plus strand). Cytogenetic location: 13q13.1.
Variant type: single nucleotide variant.
Coding change: c.8137A>G on transcript NM_000059.4 (MANE Select); coding-DNA position 8137, A replaced by G.
Protein change: p.Thr2713Ala; replaces threonine 2713 with alanine.
Molecular consequence: missense variant. On other transcripts: non-coding transcript variant (1).
Genome position (GRCh38, 1-based): chr13:32,363,339, A>G. VCF-style: chr13-32363339-A-G. GRCh37 (hg19) VCF-style: chr13-32937476-A-G.
Other names: c.8041A>G, p.Thr2681Ala (NM_001406719.1); c.8137A>G, p.Thr2713Ala (NM_001406720.1, NM_001432077.1); c.3205A>G, p.Thr1069Ala (NM_001406721.1); c.1720A>G, p.Thr574Ala (NM_001406722.1); short protein forms T1069A, T2681A, T2713A, T574A.
Identifiers: ClinVar variation 4539216 (VCV004539216.1).